The following is an entry in ClinVar:

ClinVar aggregate classification (germline): Likely benign (1 of 4 stars; one submission).

Allele frequency attached by ClinVar (database versions not stated): gnomAD exomes 0.00001.
gnomAD v4.1: 9 of 1,614,076 alleles (0.00056%); highest among the groups gnomAD compares: South Asian, 0.0055%; no homozygotes.

Submission:

CeGaT Center for Human Genetics Tuebingen
Classification: Likely benign. Last evaluated: 2024-05-01. Review status: criteria provided, single submitter. Criteria: CeGaT Center For Human Genetics Tuebingen Variant Classification Criteria Version 2. Collection method: clinical testing. Allele origin: germline. Affected: yes. Observed: 1 variant allele.
Comment: SETBP1: BP4

NM_015559.3(SETBP1):c.3403C>T (p.Pro1135Ser)

Gene: SETBP1 (SET binding protein 1; plus strand). Cytogenetic location: 18q12.3.
Variant type: single nucleotide variant.
Coding change: c.3403C>T on transcript NM_015559.3 (MANE Select); coding-DNA position 3403, C replaced by T.
Protein change: p.Pro1135Ser; replaces proline 1135 with serine.
Molecular consequence: missense variant.
Genome position (GRCh38, 1-based): chr18:44,952,743, C>T. VCF-style: chr18-44952743-C-T. GRCh37 (hg19) VCF-style: chr18-42532708-C-T.
Other names: c.3403C>T, p.Pro1135Ser (NM_001379141.1, NM_001379142.1, NM_001410862.1); short protein forms P1135S.
Identifiers: ClinVar variation 3239242 (VCV003239242.19), dbSNP rs1287201120.